The following is an entry in ClinVar:

NM_001378609.3(OTOGL):c.611G>A (p.Ser204Asn)

Gene: OTOGL (otogelin like; plus strand). Cytogenetic location: 12q21.31.
Variant type: single nucleotide variant.
Coding change: c.611G>A on transcript NM_001378609.3 (MANE Select); coding-DNA position 611, G replaced by A.
Protein change: p.Ser204Asn; replaces serine 204 with asparagine.
Molecular consequence: missense variant.
Genome position (GRCh38, 1-based): chr12:80,229,378, G>A. VCF-style: chr12-80229378-G-A. GRCh37 (hg19) VCF-style: chr12-80623158-G-A.
Other names: c.611G>A, p.Ser204Asn (NM_001368062.3, NM_001378610.3, NM_173591.7); short protein forms S204N.
Identifiers: ClinVar variation 5019916 (VCV005019916.2).
Genomic context (GRCh38, chr12:80,229,378, plus strand): 5'-TCTTTTCAAACCAAGAGGAAATTCGAATTTATGGTCATGAAATAAAAAAGAATGGAATCA[G>A]GTAGGATATGGGAAACAGTGAAATGTCAGTAACACCACAAATTAATAGAATTTCCAAACA-3'
Protein context (NP_001365538.2, residues 194-214): YGHEIKKNGI[Ser204Asn]LTLPQTIGQI

ClinVar aggregate classification (germline): Uncertain significance (1 of 4 stars; one submission).

Conditions:
Autosomal recessive nonsyndromic hearing loss 84B. Also called: Deafness, autosomal recessive 84b. Identifiers: Orphanet 90636, MedGen C3554159, MONDO:0013984, OMIM 614944.

Submission:

Juno Genomics, Hangzhou Juno Genomics, Inc
Classification: Uncertain significance for Autosomal recessive nonsyndromic hearing loss 84B. Review status: criteria provided, single submitter. Criteria: ACMG Guidelines, 2015. Collection method: clinical testing. Allele origin: germline.
Comment: Absent from controls (or at extremely low frequency if recessive) in Genome Aggregation Database.;Multiple lines of computational evidence support a deleterious effect on the gene or gene product.